The following is an entry in ClinVar:

ClinVar aggregate classification (germline): Uncertain significance (1 of 4 stars; one submission).

Submission:

CeGaT Center for Human Genetics Tuebingen
Classification: Uncertain significance. Last evaluated: 2024-01-01. Review status: criteria provided, single submitter. Criteria: CeGaT Center For Human Genetics Tuebingen Variant Classification Criteria Version 2. Collection method: clinical testing. Allele origin: germline. Affected: yes. Observed: 1 variant allele.
Comment: ZNF674: PM2, BP4

NM_001190417.2(ZNF674):c.538A>C (p.Asn180His)

Gene: ZNF674 (zinc finger protein 674; minus strand). Cytogenetic location: Xp11.3.
Variant type: single nucleotide variant.
Coding change: c.538A>C on transcript NM_001190417.2 (MANE Select); coding-DNA position 538, A replaced by C.
Protein change: p.Asn180His; replaces asparagine 180 with histidine.
Molecular consequence: missense variant.
Genome position (GRCh38, 1-based): chrX:46,501,036, T>G on the plus strand (A>C on the coding strand, the complement: ZNF674 is on the minus strand). VCF-style: chrX-46501036-T-G. GRCh37 (hg19) VCF-style: chrX-46360471-T-G.
Other names: c.553A>C, p.Asn185His (NM_001039891.3); c.535A>C, p.Asn179His (NM_001146291.2); short protein forms N179H, N180H, N185H.
Identifiers: ClinVar variation 3026980 (VCV003026980.22), dbSNP rs2519240480, ClinGen allele CA413030900.